The following is an entry in ClinVar:

ClinVar aggregate classification (germline): Conflicting classifications of pathogenicity. Review status: criteria provided, conflicting classifications (1 of 4 stars). 3 submissions from 3 submitters: Uncertain significance (2); Likely benign (1). Last evaluated 2026-03-02.

Conditions:
TNC-related disorder. Also called: TNC-related condition.

Allele frequency attached by ClinVar (database versions not stated): gnomAD exomes 0.00002 and 0.00006; ExAC 0.00004; TOPMed 0.00016; gnomAD 0.00017 and 0.00019; ESP Exome Variant Server 0.00031.
gnomAD v4.1: 51 of 1,614,042 alleles (0.0032%); highest among the groups gnomAD compares: African/African-American, 0.053%; no homozygotes.

Submissions (3):

PreventionGenetics, part of Exact Sciences
Classification: Uncertain significance for TNC-related condition. Last evaluated: 2026-03-02. Review status: criteria provided, single submitter. Criteria: ACMG Guidelines, 2015. Collection method: clinical testing. Allele origin: germline.
Comment: The TNC c.4481A>G variant is predicted to result in the amino acid substitution p.His1494Arg. To our knowledge, this variant has not been reported in the literature. This variant is reported in 0.048% of alleles in individuals of African descent in gnomAD. Although we suspect that this variant may be benign, at this time, the clinical significance of this variant is uncertain due to the absence of conclusive functional and genetic evidence.

Ambry Genetics
Classification: Uncertain significance. Last evaluated: 2025-05-18. Review status: criteria provided, single submitter. Criteria: Ambry Variant Classification Scheme 2023. Collection method: clinical testing. Allele origin: germline.

GeneDx
Classification: Likely benign. Last evaluated: 2019-10-22. Review status: criteria provided, single submitter. Criteria: GeneDx Variant Classification Process June 2021. Collection method: clinical testing. Allele origin: germline. Affected: yes.
Comment: In silico analysis, which includes protein predictors and evolutionary conservation, supports that this variant does not alter protein structure/function; Has not been previously published as pathogenic or benign to our knowledge

NM_002160.4(TNC):c.4481A>G (p.His1494Arg)

Gene: TNC (tenascin C; minus strand). Cytogenetic location: 9q33.1.
Variant type: single nucleotide variant.
Coding change: c.4481A>G on transcript NM_002160.4 (MANE Select); coding-DNA position 4481, A replaced by G.
Protein change: p.His1494Arg; replaces histidine 1494 with arginine.
Molecular consequence: missense variant.
Genome position (GRCh38, 1-based): chr9:115,057,251, T>C on the plus strand (A>G on the coding strand, the complement: TNC is on the minus strand). VCF-style: chr9-115057251-T-C. GRCh37 (hg19) VCF-style: chr9-117819530-T-C.
Other names: short protein forms H1494R.
Identifiers: ClinVar variation 1315683 (VCV001315683.4), dbSNP rs142544129, ClinGen allele CA5207927.